The following is an entry in ClinVar:

ClinVar aggregate classification (germline): Uncertain significance. Review status: criteria provided, multiple submitters, no conflicts (2 of 4 stars). 2 submissions from 2 submitters: Uncertain significance (2). Last evaluated 2025-10-06.

Conditions:
Erythrocytosis, familial, 3 (ECYT3). Identifiers: Orphanet 247511, MedGen C1853286, MONDO:0012353, OMIM 609820.

Allele frequency attached by ClinVar (database versions not stated): TOPMed 0.00001.

Submissions (2):

Ambry Genetics
Classification: Uncertain significance. Last evaluated: 2025-10-06. Review status: criteria provided, single submitter. Criteria: Ambry Variant Classification Scheme 2023. Collection method: clinical testing. Allele origin: germline.
Comment: The p.G9C variant (also known as c.25G>T), located in coding exon 1 of the EGLN1 gene, results from a G to T substitution at nucleotide position 25. The glycine at codon 9 is replaced by cysteine, an amino acid with highly dissimilar properties. This amino acid position is conserved. In addition, this alteration is predicted to be tolerated by in silico analysis. Since supporting evidence is limited at this time, the clinical significance of this alteration remains unclear.

Labcorp Genetics (formerly Invitae), Labcorp
Classification: Uncertain significance for Erythrocytosis, familial, 3. Last evaluated: 2025-07-27. Review status: criteria provided, single submitter. Criteria: Invitae Variant Classification Sherloc (09022015). Collection method: clinical testing. Allele origin: germline.
Comment: This sequence change replaces glycine, which is neutral and non-polar, with cysteine, which is neutral and slightly polar, at codon 9 of the EGLN1 protein (p.Gly9Cys). This variant is not present in population databases (gnomAD no frequency). This variant has not been reported in the literature in individuals affected with EGLN1-related conditions. ClinVar contains an entry for this variant (Variation ID: 1793658). An algorithm developed to predict the effect of missense changes on protein structure and function (PolyPhen-2) suggests that this variant is likely to be disruptive. In summary, the available evidence is currently insufficient to determine the role of this variant in disease. Therefore, it has been classified as a Variant of Uncertain Significance.

NM_022051.3(EGLN1):c.25G>T (p.Gly9Cys)

Gene: EGLN1 (egl-9 family hypoxia inducible factor 1; minus strand). Cytogenetic location: 1q42.2.
Variant type: single nucleotide variant.
Coding change: c.25G>T on transcript NM_022051.3 (MANE Select); coding-DNA position 25, G replaced by T.
Protein change: p.Gly9Cys; replaces glycine 9 with cysteine.
Molecular consequence: missense variant.
Genome position (GRCh38, 1-based): chr1:231,421,864, C>A on the plus strand (G>T on the coding strand, the complement: EGLN1 is on the minus strand). VCF-style: chr1-231421864-C-A. GRCh37 (hg19) VCF-style: chr1-231557610-C-A.
Other names: c.25G>T, p.Gly9Cys (NM_001377260.1, NM_001377261.1); short protein forms G9C.
Identifiers: ClinVar variation 1793658 (VCV001793658.4), dbSNP rs762808532, ClinGen allele CA345239476.
Genomic context (GRCh38, chr1:231,421,864, plus strand): 5'-TCTCCATCTTCCCGCACAGCTCGCAGTACTGCCGGTCTCGCTCGCTCGGGCTCGGCCCGC[C>A]GGGCCCGCCGCTGTCATTGGCCATGGCGGCGGCGGCGGCGGCGACGGCGACTGCGGCGGC-3'
Protein context (NP_071334.1, residues 1-19): MANDSGGP[Gly9Cys]GPSPSERDRQ